The following is an entry in ClinVar:

NM_198525.3(KIF7):c.2410A>C (p.Lys804Gln)

Gene: KIF7 (kinesin family member 7; minus strand). Cytogenetic location: 15q26.1.
Variant type: single nucleotide variant.
Coding change: c.2410A>C on transcript NM_198525.3 (MANE Select); coding-DNA position 2410, A replaced by C.
Protein change: p.Lys804Gln; replaces lysine 804 with glutamine.
Molecular consequence: missense variant.
Genome position (GRCh38, 1-based): chr15:89,633,868, T>G on the plus strand (A>C on the coding strand, the complement: KIF7 is on the minus strand). VCF-style: chr15-89633868-T-G. GRCh37 (hg19) VCF-style: chr15-90177099-T-G.
Other names: c.2410A>C (NM_198525.2); short protein forms K804Q.
Identifiers: ClinVar variation 1490942 (VCV001490942.4), dbSNP rs747460072, ClinGen allele CA7728171.

ClinVar aggregate classification (germline): Uncertain significance. Review status: criteria provided, multiple submitters, no conflicts (2 of 4 stars). 2 submissions from 2 submitters: Uncertain significance (2). Last evaluated 2022-09-06.

Conditions:
Inborn genetic diseases. Identifiers: MedGen C0950123, MeSH D030342.
Acrocallosal syndrome (ACLS). Also called: Schinzel syndrome 1; Absence of corpus callosum with unusual facial appearance, mental deficiency, duplication of the halluces and polydactyly; HALLUX DUPLICATION, POSTAXIAL POLYDACTYLY, AND ABSENCE OF CORPUS CALLOSUM. Identifiers: Orphanet 36, MedGen C0796147, MONDO:0008708, OMIM 200990.

Allele frequency attached by ClinVar (database versions not stated): gnomAD 0.00002 and 0.00004; gnomAD exomes 0.00005 and 0.00008; TOPMed 0.00006; ExAC 0.00007.
gnomAD v4.1: 125 of 1,613,822 alleles (0.0077%); highest among the groups gnomAD compares: Non-Finnish European, 0.0093%; no homozygotes.

Submissions (2):

Labcorp Genetics (formerly Invitae), Labcorp
Classification: Uncertain significance for Acrocallosal syndrome. Last evaluated: 2022-09-06. Review status: criteria provided, single submitter. Criteria: Invitae Variant Classification Sherloc (09022015). Collection method: clinical testing. Allele origin: germline.
Comment: This sequence change replaces lysine, which is basic and polar, with glutamine, which is neutral and polar, at codon 804 of the KIF7 protein (p.Lys804Gln). This variant is present in population databases (rs747460072, gnomAD 0.01%). This variant has not been reported in the literature in individuals affected with KIF7-related conditions. ClinVar contains an entry for this variant (Variation ID: 1490942). Algorithms developed to predict the effect of missense changes on protein structure and function are either unavailable or do not agree on the potential impact of this missense change (SIFT: "Tolerated"; PolyPhen-2: "Possibly Damaging"; Align-GVGD: "Class C0"). In summary, the available evidence is currently insufficient to determine the role of this variant in disease. Therefore, it has been classified as a Variant of Uncertain Significance.

Ambry Genetics
Classification: Uncertain significance for Inborn genetic diseases. Last evaluated: 2022-05-31. Review status: criteria provided, single submitter. Criteria: Ambry Variant Classification Scheme 2023. Collection method: clinical testing. Allele origin: germline.